The following is an entry in ClinVar:

NM_001875.5(CPS1):c.1032C>T (p.Thr344=)

Gene: CPS1 (carbamoyl-phosphate synthase 1; plus strand). Cytogenetic location: 2q34.
Variant type: single nucleotide variant.
Coding change: c.1032C>T on transcript NM_001875.5 (MANE Select); coding-DNA position 1032, C replaced by T.
Protein change: p.Thr344=; no amino-acid change (threonine 344 retained).
Molecular consequence: synonymous variant. On other transcripts: non-coding transcript variant (1).
Genome position (GRCh38, 1-based): chr2:210,591,915, C>T. VCF-style: chr2-210591915-C-T. GRCh37 (hg19) VCF-style: chr2-211456639-C-T.
Other names: p.T350T:ACC>ACT; p.Thr344=; c.1032C>T (LRG_336t1); c.1032C>T, p.Thr344= (NM_001122633.3, NM_001369257.1); c.1065C>T, p.Thr355= (NM_001369256.1).
Identifiers: ClinVar variation 128850 (VCV000128850.34), dbSNP rs2229589, ClinGen allele CA288781.

ClinVar aggregate classification (germline): Benign. Review status: criteria provided, multiple submitters, no conflicts (2 of 4 stars). 15 submissions from 15 submitters: Benign (10). 5 of the submissions do not count toward it. Last evaluated 2026-02-04.

Conditions:
Congenital hyperammonemia, type I. Also called: Carbamoyl phosphate synthetase I deficiency disease; Carbamoyl-phosphate synthase I deficiency; CPS I DEFICIENCY; Carbamoyl phosphate synthetase 1 deficiency; Hyperammonemia due to carbamoyl phosphate synthetase 1 deficiency; CPS 1 deficiency. Identifiers: Orphanet 147, MedGen C4082171, MONDO:0009376, OMIM 237300.

Allele frequency attached by ClinVar (database versions not stated): gnomAD exomes 0.56619 and 0.57065; ExAC 0.57363; TOPMed 0.58532; 1000 Genomes Project 30x 0.58807; 1000 Genomes Project 0.59125; gnomAD 0.59558 and 0.59572; ESP Exome Variant Server 0.59757.
gnomAD v4.1: 917,099 of 1,610,134 alleles (57%); highest among the groups gnomAD compares: African/African-American, 67%; 262,873 homozygotes.

Submissions (15):

Labcorp Genetics (formerly Invitae), Labcorp
Classification: Benign for Congenital hyperammonemia, type I. Last evaluated: 2026-02-04. Review status: criteria provided, single submitter. Criteria: Invitae Variant Classification Sherloc (09022015). Collection method: clinical testing. Allele origin: germline.

Blueprint Genetics
Classification: Benign. Last evaluated: 2024-11-26. Review status: criteria provided, single submitter. Criteria: ACMG Guidelines, 2015. Collection method: clinical testing. Allele origin: germline.

Mayo Clinic Laboratories, Mayo Clinic
Classification: Benign. Last evaluated: 2022-05-05. Review status: criteria provided, single submitter. Criteria: ACMG Guidelines, 2015. Collection method: clinical testing. Allele origin: germline. Observed: 91 variant alleles.

Genome-Nilou Lab
Classification: Benign for Congenital hyperammonemia, type I. Last evaluated: 2021-07-10. Review status: criteria provided, single submitter. Criteria: ACMG Guidelines, 2015. Collection method: clinical testing. Allele origin: germline. Affected: no.

Illumina Laboratory Services, Illumina
Classification: Benign for Congenital hyperammonemia, type I. Last evaluated: 2018-01-13. Review status: criteria provided, single submitter. Criteria: ICSL Variant Classification Criteria 13 December 2019. Collection method: clinical testing. Allele origin: germline.
Comment: This variant was observed in the ICSL laboratory as part of a predisposition screen in an ostensibly healthy population. It had not been previously curated by ICSL or reported in the Human Gene Mutation Database (HGMD: prior to June 1st, 2018), and was therefore a candidate for classification through an automated scoring system. Utilizing variant allele frequency, disease prevalence and penetrance estimates, and inheritance mode, an automated score was calculated to assess if this variant is too frequent to cause the disease. Based on the score and internal cut-off values, a variant classified as benign is not then subjected to further curation. The score for this variant resulted in a classification of benign for this disease.

Clinical Genetics DNA and cytogenetics Diagnostics Lab, Erasmus MC, Erasmus Medical Center
Classification: Benign for Congenital hyperammonemia, type I. Last evaluated: 2017-06-28. Review status: criteria provided, single submitter. Criteria: ACGS Guidelines, 2013. Collection method: clinical testing. Allele origin: germline. Affected: yes. Study: VKGL Data-share Consensus.

Eurofins Ntd Llc (ga)
Classification: Benign. Last evaluated: 2015-06-10. Review status: criteria provided, single submitter. Criteria: EGL Classification Definitions 2015. Collection method: clinical testing. Allele origin: germline.

GeneDx
Classification: Benign. Last evaluated: 2013-07-25. Review status: criteria provided, single submitter. Criteria: GeneDx Variant Classification (06012015). Collection method: clinical testing. Allele origin: germline. Affected: yes.
Comment: This variant is considered likely benign or benign based on one or more of the following criteria: it is a conservative change, it occurs at a poorly conserved position in the protein, it is predicted to be benign by multiple in silico algorithms, and/or has population frequency not consistent with disease.

Breakthrough Genomics
Classification: Benign. Review status: criteria provided, single submitter. Criteria: ACMG Guidelines, 2015. Collection method: not provided. Allele origin: germline. Inheritance: Autosomal recessive inheritance. Affected: yes.

PreventionGenetics, part of Exact Sciences
Classification: Benign. Review status: criteria provided, single submitter. Criteria: ACMG Guidelines, 2015. Collection method: clinical testing. Allele origin: germline.

Natera, Inc.
Classification: Benign for Carbamoyl-phosphate synthase I deficiency. Last evaluated: 2020-09-16. Review status: no assertion criteria provided. Collection method: clinical testing. Allele origin: germline. Not counted in ClinVar's aggregate classification.

Clinical Genetics, Academic Medical Center
Classification: Benign. Review status: no assertion criteria provided. Collection method: clinical testing. Allele origin: germline. Affected: yes. Study: VKGL Data-share Consensus. Not counted in ClinVar's aggregate classification.

Diagnostic Laboratory, Department of Genetics, University Medical Center Groningen
Classification: Benign for Congenital hyperammonemia, type I. Review status: no assertion criteria provided. Collection method: clinical testing. Allele origin: germline. Affected: yes. Study: VKGL Data-share Consensus. Not counted in ClinVar's aggregate classification.

Genetic Services Laboratory, University of Chicago
Classification: Likely benign for AllHighlyPenetrant. Review status: no assertion criteria provided. Collection method: clinical testing. Allele origin: germline. Inheritance: Autosomal recessive inheritance. Not counted in ClinVar's aggregate classification.
Comment: Likely benign based on allele frequency in 1000 Genomes Project or ESP global frequency and its presence in a patient with a rare or unrelated disease phenotype. NOT Sanger confirmed.

Joint Genome Diagnostic Labs from Nijmegen and Maastricht, Radboudumc and MUMC+
Classification: Benign. Review status: no assertion criteria provided. Collection method: clinical testing. Allele origin: germline. Affected: yes. Study: VKGL Data-share Consensus. Not counted in ClinVar's aggregate classification.